The following is an entry in ClinVar:

ClinVar aggregate classification (germline): Uncertain significance (1 of 4 stars; one submission).

Conditions:
Neuropathy, hereditary sensory and autonomic, type 2A (HSAN2A). Also called: WNK1-Related HSAN2 (HSAN2A); MORVAN DISEASE; NEUROPATHY, CONGENITAL SENSORY; NEUROPATHY, HEREDITARY SENSORY RADICULAR, AUTOSOMAL RECESSIVE; NEUROPATHY, HEREDITARY SENSORY, TYPE IIA; NEUROPATHY, PROGRESSIVE SENSORY, OF CHILDREN. Identifiers: Orphanet 970, MedGen C2752089, MONDO:0024309, OMIM 201300.
Generalized epilepsy with febrile seizures plus, type 7 (GEFSP7). Also called: GEFS+, TYPE 7. Identifiers: Orphanet 36387, MedGen C2751778, MONDO:0013470, OMIM 613863.

Allele frequency attached by ClinVar (database versions not stated): gnomAD exomes below 0.00001; gnomAD 0.00001; TOPMed 0.00001.
gnomAD v4.1: 4 of 1,602,550 alleles (0.00025%); highest among the groups gnomAD compares: African/African-American, 0.0027%; no homozygotes.

Submission:

Labcorp Genetics (formerly Invitae), Labcorp
Classification: Uncertain significance for Neuropathy, hereditary sensory and autonomic, type 2A; Generalized epilepsy with febrile seizures plus, type 7. Last evaluated: 2024-04-30. Review status: criteria provided, single submitter. Criteria: Invitae Variant Classification Sherloc (09022015). Collection method: clinical testing. Allele origin: germline.
Comment: This sequence change replaces glycine, which is neutral and non-polar, with glutamic acid, which is acidic and polar, at codon 1490 of the SCN9A protein (p.Gly1490Glu). This variant is not present in population databases (gnomAD no frequency). This variant has not been reported in the literature in individuals affected with SCN9A-related conditions. ClinVar contains an entry for this variant (Variation ID: 649601). An algorithm developed to predict the effect of missense changes on protein structure and function (PolyPhen-2) suggests that this variant is likely to be tolerated. In summary, the available evidence is currently insufficient to determine the role of this variant in disease. Therefore, it has been classified as a Variant of Uncertain Significance.

NM_001365536.1(SCN9A):c.4502G>A (p.Gly1501Glu)

Genes: SCN9A (sodium voltage-gated channel alpha subunit 9; minus strand), SCN1A-AS1 (SCN1A and SCN9A antisense RNA 1; plus strand). Cytogenetic location: 2q24.3.
Variant type: single nucleotide variant.
Coding change: c.4502G>A on transcript NM_001365536.1 (MANE Select); coding-DNA position 4502, G replaced by A.
Protein change: p.Gly1501Glu; replaces glycine 1501 with glutamic acid.
Molecular consequence: missense variant.
Genome position (GRCh38, 1-based): chr2:166,204,361, C>T on the plus strand (G>A on the coding strand, the complement: SCN9A is on the minus strand). VCF-style: chr2-166204361-C-T. GRCh37 (hg19) VCF-style: chr2-167060871-C-T.
Other names: c.4469G>A, p.Gly1490Glu (NM_002977.4); short protein forms G1501E, G1490E.
Identifiers: ClinVar variation 649601 (VCV000649601.9), dbSNP rs934276496, ClinGen allele CA59789462.